The following is an entry in ClinVar:

ClinVar aggregate classification (germline): Uncertain significance (1 of 4 stars; one submission).

Conditions:
Hypertrophic cardiomyopathy. Also called: HYPERTROPHIC MYOCARDIOPATHY. Identifiers: Orphanet 217569, MedGen C0007194, MeSH D002312, MONDO:0005045, HP:0001639.

Allele frequency attached by ClinVar (database versions not stated): gnomAD exomes below 0.00001.
gnomAD v4.1: 2 of 1,610,194 alleles (0.00012%); highest among the groups gnomAD compares: Non-Finnish European, 0.000085%; no homozygotes.

Submission:

All of Us Research Program, National Institutes of Health
Classification: Uncertain significance for Hypertrophic cardiomyopathy. Last evaluated: 2023-04-10. Review status: criteria provided, single submitter. Criteria: ACMG Guidelines, 2015. Collection method: clinical testing. Allele origin: germline. Inheritance: Autosomal dominant inheritance. Observed: 1 variant allele, 1 heterozygote.
Comment: This missense variant replaces glycine with aspartic acid at codon 204 of the MYBPC3 protein. Computational prediction suggests that this variant may have a deleterious impact on protein structure and function (internally defined REVEL score threshold >= 0.7, PMID: 27666373). To our knowledge, functional studies have not been reported for this variant. This variant has not been reported in individuals affected with MYBPC3-related disorders in the literature. This variant has not been identified in the general population by the Genome Aggregation Database (gnomAD). The available evidence is insufficient to determine the role of this variant in disease conclusively. Therefore, this variant is classified as a Variant of Uncertain Significance.

This study involves interpretation of variants in research participants for the purpose of population health screening. Participant phenotype was not available at the time of variant classification. Additional details can be found in publication PMID: 35346344, PMCID: PMC8962531

NM_000256.3(MYBPC3):c.611G>A (p.Gly204Asp)

Gene: MYBPC3 (myosin binding protein C3; minus strand). Cytogenetic location: 11p11.2.
Variant type: single nucleotide variant.
Coding change: c.611G>A on transcript NM_000256.3 (MANE Select); coding-DNA position 611, G replaced by A.
Protein change: p.Gly204Asp; replaces glycine 204 with aspartic acid.
Molecular consequence: missense variant.
Genome position (GRCh38, 1-based): chr11:47,349,817, C>T on the plus strand (G>A on the coding strand, the complement: MYBPC3 is on the minus strand). VCF-style: chr11-47349817-C-T. GRCh37 (hg19) VCF-style: chr11-47371368-C-T.
Other names: short protein forms G204D.
Identifiers: ClinVar variation 3070387 (VCV003070387.1), dbSNP rs2495780463, ClinGen allele CA380337496.